The following is an entry in ClinVar:

NM_003184.4(TAF2):c.2870T>C (p.Met957Thr)

Gene: TAF2 (TATA-box binding protein associated factor 2; minus strand). Cytogenetic location: 8q24.12.
Variant type: single nucleotide variant.
Coding change: c.2870T>C on transcript NM_003184.4 (MANE Select); coding-DNA position 2870, T replaced by C.
Protein change: p.Met957Thr; replaces methionine 957 with threonine.
Molecular consequence: missense variant.
Genome position (GRCh38, 1-based): chr8:119,756,014, A>G on the plus strand (T>C on the coding strand, the complement: TAF2 is on the minus strand). VCF-style: chr8-119756014-A-G. GRCh37 (hg19) VCF-style: chr8-120768254-A-G.
Other names: short protein forms M957T.
Identifiers: ClinVar variation 1902887 (VCV001902887.6), dbSNP rs763649497, ClinGen allele CA4856941.

ClinVar aggregate classification (germline): Uncertain significance. Review status: criteria provided, multiple submitters, no conflicts (2 of 4 stars). 2 submissions from 2 submitters: Uncertain significance (2). Last evaluated 2025-11-18.

Conditions:
Inborn genetic diseases. Identifiers: MedGen C0950123, MeSH D030342.

Allele frequency attached by ClinVar (database versions not stated): TOPMed 0.00001; ExAC 0.00002.
gnomAD v4.1: 35 of 1,610,544 alleles (0.0022%); highest among the groups gnomAD compares: Non-Finnish European, 0.0026%; no homozygotes.

Submissions (2):

Labcorp Genetics (formerly Invitae), Labcorp
Classification: Uncertain significance. Last evaluated: 2025-11-18. Review status: criteria provided, single submitter. Criteria: Invitae Variant Classification Sherloc (09022015). Collection method: clinical testing. Allele origin: germline.
Comment: This sequence change replaces methionine, which is neutral and non-polar, with threonine, which is neutral and polar, at codon 957 of the TAF2 protein (p.Met957Thr). This variant is present in population databases (rs763649497, gnomAD 0.003%). This variant has not been reported in the literature in individuals affected with TAF2-related conditions. ClinVar contains an entry for this variant (Variation ID: 1902887). Invitae Evidence Modeling of protein sequence and biophysical properties (such as structural, functional, and spatial information, amino acid conservation, physicochemical variation, residue mobility, and thermodynamic stability) indicates that this missense variant is not expected to disrupt TAF2 protein function with a negative predictive value of 80%. In summary, the available evidence is currently insufficient to determine the role of this variant in disease. Therefore, it has been classified as a Variant of Uncertain Significance.

Ambry Genetics
Classification: Uncertain significance for Inborn genetic diseases. Last evaluated: 2025-08-26. Review status: criteria provided, single submitter. Criteria: Ambry Variant Classification Scheme 2023. Collection method: clinical testing. Allele origin: germline.